The following is an entry in ClinVar:

NM_001114753.3(ENG):c.619del (p.Cys207fs)

Gene: ENG (endoglin; minus strand). Cytogenetic location: 9q34.11.
Variant type: Deletion.
Coding change: c.619del on transcript NM_001114753.3 (MANE Select); coding-DNA position 619, one base deleted (T; older notation c.619delT).
Protein change: p.Cys207fs; shifts the reading frame from cysteine 207.
Molecular consequence: frameshift variant.
Genome position (GRCh38, 1-based): chr9:127,825,765, A deleted on the plus strand (T on the coding strand, the reverse complement: ENG is on the minus strand). VCF-style (leftmost placement, unchanged base first): chr9-127825764-CA-C. GRCh37 (hg19) VCF-style: chr9-130588043-CA-C.
Other names: c.619delT, p.Cys207Alafs (NM_000118.4, NM_001406715.1); c.73del, p.Cys25fs (NM_001278138.2); short protein forms C25fs, C207fs.
Identifiers: ClinVar variation 1752150 (VCV001752150.2), dbSNP rs2539076020, ClinGen allele CA2580079683.
Genomic context (GRCh38, chr9:127,825,764, plus strand): 5'-TGGCCCGGCAGGACCCTCAGGATGTGCGCCTCCTTGTGGCCGGCCACGCCTTCCAAGTGG[CA>C]GCCCCGGACCAAGGCTGGAGTACGCGGCCGCCACTCGAGCGTGCGGCCCATGTCCTGGCT-3'

ClinVar aggregate classification (germline): Pathogenic (1 of 4 stars; one submission).

Conditions:
Cardiovascular phenotype. Identifiers: MedGen CN230736.

Submission:

Ambry Genetics
Classification: Pathogenic for Cardiovascular phenotype. Last evaluated: 2021-05-06. Review status: criteria provided, single submitter. Criteria: Ambry Variant Classification Scheme 2023. Collection method: clinical testing. Allele origin: germline.
Comment: The c.619delT pathogenic mutation, located in coding exon 5 of the ENG gene, results from a deletion of one nucleotide at nucleotide position 619, causing a translational frameshift with a predicted alternate stop codon (p.C207Afs*15). This alteration is expected to result in loss of function by premature protein truncation or nonsense-mediated mRNA decay. As such, this alteration is interpreted as a disease-causing mutation.